The following is an entry in ClinVar:

ClinVar aggregate classification (germline): Pathogenic/Likely pathogenic. Review status: criteria provided, multiple submitters, no conflicts (2 of 4 stars). 2 submissions from 2 submitters: Pathogenic (1); Likely pathogenic (1). Last evaluated 2022-05-03.

Submissions (2):

Labcorp Genetics (formerly Invitae), Labcorp
Classification: Pathogenic. Last evaluated: 2022-05-03. Review status: criteria provided, single submitter. Criteria: Invitae Variant Classification Sherloc (09022015). Collection method: clinical testing. Allele origin: germline.
Comment: This variant is not present in population databases (gnomAD no frequency). For these reasons, this variant has been classified as Pathogenic. This variant has not been reported in the literature in individuals affected with TUBGCP4-related conditions. This sequence change creates a premature translational stop signal (p.Gln75*) in the TUBGCP4 gene. It is expected to result in an absent or disrupted protein product. Loss-of-function variants in TUBGCP4 are known to be pathogenic (PMID: 25817018).

Laboratorio de Genetica e Diagnostico Molecular, Hospital Israelita Albert Einstein
Classification: Likely pathogenic. Last evaluated: 2021-10-19. Review status: criteria provided, single submitter. Criteria: ACMG Guidelines, 2015. Collection method: clinical testing. Allele origin: germline. Affected: yes.
Comment: ACMG classification criteria: PVS1, PM2

Literature cited by the submitters: PubMed 25817018 (cited by Labcorp Genetics (formerly Invitae), Labcorp).

NM_014444.5(TUBGCP4):c.223C>T (p.Gln75Ter)

Gene: TUBGCP4 (tubulin gamma complex component 4; plus strand). Cytogenetic location: 15q15.3.
Variant type: single nucleotide variant.
Coding change: c.223C>T on transcript NM_014444.5 (MANE Select); coding-DNA position 223, C replaced by T.
Protein change: p.Gln75Ter; replaces glutamine 75 with a stop codon.
Molecular consequence: nonsense.
Genome position (GRCh38, 1-based): chr15:43,376,518, C>T. VCF-style: chr15-43376518-C-T. GRCh37 (hg19) VCF-style: chr15-43668716-C-T.
Other names: c.223C>T, p.Gln75Ter (NM_001286414.3); short protein forms Q75*.
Identifiers: ClinVar variation 1690472 (VCV001690472.7), dbSNP rs2142767103, ClinGen allele CA392115595.
Genomic context (GRCh38, chr15:43,376,518, plus strand): 5'-TCAGGGCCTGAGCTGAGAAGTTGGCTTCTGTTTGTTTGATTTCAGGATCACCATCCATCT[C>T]AACAGGGCCAAGGTGGGTTACATGGAATCTACCTGCGGGCCTTCTGCACAGGGCTGGATT-3'